The following is an entry in ClinVar:

ClinVar aggregate classification (germline): Likely benign. Review status: criteria provided, multiple submitters, no conflicts (2 of 4 stars). 4 submissions from 4 submitters: Likely benign (4). Last evaluated 2026-06-29.

Conditions:
Ehlers-Danlos syndrome, spondylodysplastic type, 3. Also called: Ehlers-Danlos syndrome, spondylocheirodysplastic type. Identifiers: Orphanet 157965, MedGen C2676510, MONDO:0012873, OMIM 612350.

Allele frequency attached by ClinVar (database versions not stated): ExAC 0.00009; gnomAD exomes 0.00010; ESP Exome Variant Server 0.00015; 1000 Genomes Project 30x 0.00016; 1000 Genomes Project 0.00020; gnomAD 0.00044 and 0.00046; TOPMed 0.00051.
gnomAD v4.1: 163 of 1,614,224 alleles (0.01%); highest among the groups gnomAD compares: African/African-American, 0.18%; 1 homozygote.

Submissions (4):

Women's Health and Genetics/Laboratory Corporation of America, LabCorp
Classification: Likely benign. Last evaluated: 2026-06-29. Review status: criteria provided, single submitter. Criteria: LabCorp Variant Classification Summary - May 2015. Collection method: clinical testing. Allele origin: germline.

CeGaT Center for Human Genetics Tuebingen
Classification: Likely benign. Last evaluated: 2026-06-01. Review status: criteria provided, single submitter. Criteria: CeGaT Center For Human Genetics Tuebingen Variant Classification Criteria Version 2. Collection method: clinical testing. Allele origin: germline. Affected: yes. Observed: 1 variant allele.
Comment: SLC39A13: BP4, BP7

Labcorp Genetics (formerly Invitae), Labcorp
Classification: Likely benign for Ehlers-Danlos syndrome, spondylodysplastic type, 3. Last evaluated: 2026-01-18. Review status: criteria provided, single submitter. Criteria: Invitae Variant Classification Sherloc (09022015). Collection method: clinical testing. Allele origin: germline.

GeneDx
Classification: Likely benign. Last evaluated: 2021-03-23. Review status: criteria provided, single submitter. Criteria: GeneDx Variant Classification Process June 2021. Collection method: clinical testing. Allele origin: germline. Affected: yes.

NM_001128225.3(SLC39A13):c.696C>T (p.His232=)

Gene: SLC39A13 (solute carrier family 39 member 13; plus strand). Cytogenetic location: 11p11.2.
Variant type: single nucleotide variant.
Coding change: c.696C>T on transcript NM_001128225.3 (MANE Select); coding-DNA position 696, C replaced by T.
Protein change: p.His232=; no amino-acid change (histidine 232 retained).
Molecular consequence: synonymous variant. On other transcripts: non-coding transcript variant (1).
Genome position (GRCh38, 1-based): chr11:47,413,647, C>T. VCF-style: chr11-47413647-C-T. GRCh37 (hg19) VCF-style: chr11-47435198-C-T.
Other names: c.696C>T, p.His232= (NM_001330245.2, NM_152264.5).
Identifiers: ClinVar variation 772512 (VCV000772512.17), dbSNP rs371961000, ClinGen allele CA5975882.
Genomic context (GRCh38, chr11:47,413,647, plus strand): 5'-TCCTTCCCAGGTCAGCGGCTACCTCAACCTGCTGGCCAACACCATCGATAACTTCACCCA[C>T]GGGCTGGCTGTGGCTGCCAGCTTCCTTGTGAGCAAGAAGGTGAGGGGCTTGGGGCCAGTG-3'
Protein context (NP_001121697.2, residues 222-242): LLANTIDNFT[His232=]GLAVAASFLV